The following is an entry in ClinVar:

NM_002834.5(PTPN11):c.1331A>G (p.His444Arg)

Gene: PTPN11 (protein tyrosine phosphatase non-receptor type 11; plus strand). Cytogenetic location: 12q24.13.
Variant type: single nucleotide variant.
Coding change: c.1331A>G on transcript NM_002834.5 (MANE Select); coding-DNA position 1331, A replaced by G.
Protein change: p.His444Arg; replaces histidine 444 with arginine.
Molecular consequence: missense variant.
Genome position (GRCh38, 1-based): chr12:112,486,581, A>G. VCF-style: chr12-112486581-A-G. GRCh37 (hg19) VCF-style: chr12-112924385-A-G.
Other names: c.1343A>G, p.His448Arg (NM_001330437.2); c.1328A>G, p.His443Arg (NM_001374625.1); c.1331A>G, p.His444Arg (NM_080601.3); short protein forms H443R, H444R, H448R.
Identifiers: ClinVar variation 1714959 (VCV001714959.7), dbSNP rs2038680043, ClinGen allele CA386777511.
Genomic context (GRCh38, chr12:112,486,581, plus strand): 5'-CGGACCACGGCGTGCCCAGCGACCCTGGGGGCGTGCTGGACTTCCTGGAGGAGGTGCACC[A>G]TAAGCAGGAGAGCATCATGGATGCAGGGCCGGTCGTGGTGCACTGCAGGTGACAGCTCCT-3'
Protein context (NP_002825.3, residues 434-454): GVLDFLEEVH[His444Arg]KQESIMDAGP

ClinVar aggregate classification (germline): Uncertain significance. Review status: criteria provided, multiple submitters, no conflicts (2 of 4 stars). 3 submissions from 3 submitters: Uncertain significance (3). Last evaluated 2026-06-14.

Conditions:
RASopathy. Also called: rasopathies; Noonan spectrum disorder. Identifiers: Orphanet 536391, MedGen C5555857, MONDO:0021060.
Cardiovascular phenotype. Identifiers: MedGen CN230736.

Submissions (3):

Ambry Genetics
Classification: Uncertain significance for Cardiovascular phenotype. Last evaluated: 2026-06-14. Review status: criteria provided, single submitter. Criteria: Ambry Variant Classification Scheme 2023. Collection method: clinical testing. Allele origin: germline.
Comment: The p.H444R variant (also known as c.1331A>G), located in coding exon 11 of the PTPN11 gene, results from an A to G substitution at nucleotide position 1331. The histidine at codon 444 is replaced by arginine, an amino acid with highly similar properties. This amino acid position is conserved. In addition, this alteration is predicted to be tolerated by in silico analysis. Based on the available evidence, the clinical significance of this variant remains unclear.

GeneDx
Classification: Uncertain significance. Last evaluated: 2024-02-21. Review status: criteria provided, single submitter. Criteria: GeneDx Variant Classification Process June 2021. Collection method: clinical testing. Allele origin: germline. Affected: yes.
Comment: Has not been previously published as pathogenic or benign to our knowledge; Not observed at significant frequency in large population cohorts (gnomAD); Missense variants in this gene are often considered pathogenic (HGMD); In silico analysis supports that this missense variant does not alter protein structure/function

Labcorp Genetics (formerly Invitae), Labcorp
Classification: Uncertain significance for RASopathy. Last evaluated: 2022-10-26. Review status: criteria provided, single submitter. Criteria: Invitae Variant Classification Sherloc (09022015). Collection method: clinical testing. Allele origin: germline.
Comment: This sequence change replaces histidine, which is basic and polar, with arginine, which is basic and polar, at codon 444 of the PTPN11 protein (p.His444Arg). This variant is not present in population databases (gnomAD no frequency). This variant has not been reported in the literature in individuals affected with PTPN11-related conditions. Algorithms developed to predict the effect of missense changes on protein structure and function (SIFT, PolyPhen-2, Align-GVGD) all suggest that this variant is likely to be tolerated. Algorithms developed to predict the effect of sequence changes on RNA splicing suggest that this variant may create or strengthen a splice site. In summary, the available evidence is currently insufficient to determine the role of this variant in disease. Therefore, it has been classified as a Variant of Uncertain Significance.